The following is an entry in ClinVar:

NM_022336.4(EDAR):c.-189T>C

Genes: EDAR (ectodysplasin A receptor; minus strand), RANBP2 (RAN binding protein 2; plus strand). Cytogenetic location: 2q13.
Variant type: single nucleotide variant.
Coding change: c.-189T>C on transcript NM_022336.4 (MANE Select); 189 bases upstream of the start codon, T replaced by C.
Molecular consequence: 5 prime UTR variant.
Genome position (GRCh38, 1-based): chr2:108,989,130, A>G on the plus strand (T>C on the coding strand, the complement: EDAR is on the minus strand). VCF-style: chr2-108989130-A-G. GRCh37 (hg19) VCF-style: chr2-109605586-A-G.
Identifiers: ClinVar variation 330716 (VCV000330716.6), dbSNP rs569682476, ClinGen allele CA10610967.

ClinVar aggregate classification (germline): Benign (1 of 4 stars; one submission).

Conditions:
Hypohidrotic ectodermal dysplasia (HED). Identifiers: Orphanet 238468, MedGen C5848103, MONDO:0016535, HP:0007607.

Allele frequency attached by ClinVar (database versions not stated): TOPMed 0.00077; gnomAD 0.00078 and 0.00074; 1000 Genomes Project 0.00100; 1000 Genomes Project 30x 0.00109.

Submission:

Illumina Laboratory Services, Illumina
Classification: Benign for Hypohidrotic ectodermal dysplasia. Last evaluated: 2018-01-13. Review status: criteria provided, single submitter. Criteria: ICSL Variant Classification Criteria 13 December 2019. Collection method: clinical testing. Allele origin: germline.
Comment: This variant was observed in the ICSL laboratory as part of a predisposition screen in an ostensibly healthy population. It had not been previously curated by ICSL or reported in the Human Gene Mutation Database (HGMD: prior to June 1st, 2018), and was therefore a candidate for classification through an automated scoring system. Utilizing variant allele frequency, disease prevalence and penetrance estimates, and inheritance mode, an automated score was calculated to assess if this variant is too frequent to cause the disease. Based on the score and internal cut-off values, a variant classified as benign is not then subjected to further curation. The score for this variant resulted in a classification of benign for this disease.